The following is an entry in ClinVar:

ClinVar aggregate classification (germline): Uncertain significance (1 of 4 stars; one submission).

Conditions:
Neurofibromatosis, type 1 (NF1). Also called: NEUROFIBROMATOSIS, TYPE I, SOMATIC; Neurofibromatosis, type I; VON RECKLINGHAUSEN DISEASE; Peripheral type neurofibromatosis. Identifiers: Orphanet 636, MedGen C0027831, MONDO:0018975, OMIM 162200. Disease mechanism: loss of function.

Submission:

Labcorp Genetics (formerly Invitae), Labcorp
Classification: Uncertain significance for Neurofibromatosis, type 1. Last evaluated: 2023-06-29. Review status: criteria provided, single submitter. Criteria: Invitae Variant Classification Sherloc (09022015). Collection method: clinical testing. Allele origin: germline.
Comment: This sequence change replaces leucine, which is neutral and non-polar, with proline, which is neutral and non-polar, at codon 792 of the NF1 protein (p.Leu792Pro). This variant is not present in population databases (gnomAD no frequency). This variant has not been reported in the literature in individuals affected with NF1-related conditions. It has also been observed in at least one individual who was not affected with NF1-related conditions (Invitae). ClinVar contains an entry for this variant (Variation ID: 1057498). Advanced modeling of protein sequence and biophysical properties (such as structural, functional, and spatial information, amino acid conservation, physicochemical variation, residue mobility, and thermodynamic stability) performed at Invitae indicates that this missense variant is expected to disrupt NF1 protein function. This variant disrupts the p.Leu792 amino acid residue in NF1. Other variant(s) that disrupt this residue have been determined to be pathogenic (Invitae). This suggests that this residue is clinically significant, and that variants that disrupt this residue are likely to be disease-causing. In summary, the available evidence is currently insufficient to determine the role of this variant in disease. Therefore, it has been classified as a Variant of Uncertain Significance.

NM_001042492.3(NF1):c.2375T>C (p.Leu792Pro)

Gene: NF1 (neurofibromin 1; plus strand). Cytogenetic location: 17q11.2.
Variant type: single nucleotide variant.
Coding change: c.2375T>C on transcript NM_001042492.3 (MANE Select); coding-DNA position 2375, T replaced by C.
Protein change: p.Leu792Pro; replaces leucine 792 with proline.
Molecular consequence: missense variant.
Genome position (GRCh38, 1-based): chr17:31,227,572, T>C. VCF-style: chr17-31227572-T-C. GRCh37 (hg19) VCF-style: chr17-29554590-T-C.
Other names: c.2375T>C, p.Leu792Pro (NM_000267.4); short protein forms L792P.
Identifiers: ClinVar variation 1057498 (VCV001057498.5), dbSNP rs1597713777, ClinGen allele CA398983199.